The following is an entry in ClinVar:

ClinVar aggregate classification (germline): Pathogenic (1 of 4 stars; one submission).

Conditions:
Severe combined immunodeficiency due to DCLRE1C deficiency (RS-SCID). Also called: SCID, AUTOSOMAL RECESSIVE, T CELL-NEGATIVE, B CELL-NEGATIVE, NK CELL-POSITIVE, WITH SENSITIVITY TO IONIZING RADIATION. Identifiers: Orphanet 275, MedGen C1865371, MONDO:0011225, OMIM 602450.

Submission:

Women's Health and Genetics/Laboratory Corporation of America, LabCorp
Classification: Pathogenic for Athabaskan severe combined immunodeficiency. Last evaluated: 2025-12-23. Review status: criteria provided, single submitter. Criteria: LabCorp Variant Classification Summary - May 2015. Collection method: clinical testing. Allele origin: germline.
Comment: Variant summary: The variant involves the deletion of exons 1-3 in the DCLRE1C gene. The exact breakpoint at the 5' end of this variant is unknown, therefore this deletion may extend upstream of the annotated region of this gene. Although the exact breakpoints of this deletion are not known, it is predicted to remove the initiation codon and result in an absence of protein or a truncation of the encoded protein due to translation initiation at a downstream site. Loss-of-function variants in this gene are known to be pathogenic. A presumed nomenclature of c.(?_-87)_(246+1_247-1)del has been designated for the purposes of this classification. The variant allele was found at a frequency of 0.00055 in 21694 control chromosomes. This frequency is not significantly higher than estimated for disease-causing variants in DCLRE1C, allowing no conclusion about variant significance. c.(?_-87)_(246+1_247-1)del has been observed in individual(s) affected with Severe combined immunodeficiency due to DCLRE1C deficiency (example: Luk_2017). These data indicate that the variant may be associated with disease. The following publication has been ascertained in the context of this evaluation (PMID: 28747913). ClinVar contains an entry for this variant (Variation ID: 647472). Based on the evidence outlined above, the variant was classified as pathogenic.

Literature cited by the submitters: PubMed 28747913.

NC_000010.10:g.(14981869_14987103)_(14996096_?)del

Gene: DCLRE1C (DNA cross-link repair 1C; minus strand). Cytogenetic location: 10p13.
Variant type: Deletion.
Identifiers: ClinVar variation 4688865 (VCV004688865.1).